The following is an entry in ClinVar:

NM_014049.4(ACAD9):c.[1A>G];[796C>T]

Variant type: CompoundHeterozygote.
Identifiers: ClinVar variation 424751 (VCV000424751.4).

ClinVar aggregate classification (germline): Pathogenic (0 of 4 stars; one submission).

Conditions:
Acyl-CoA dehydrogenase 9 deficiency. Also called: Acyl-CoA dehydrogenase family, member 9, deficiency of; MITOCHONDRIAL COMPLEX I DEFICIENCY, NUCLEAR TYPE 20. Identifiers: Orphanet 99901, MedGen C4747517, MONDO:0012624, OMIM 611126.

Submission:

Institut IMAGINE, Institut National de la Sante et de la Recherche Medicale
Classification: Pathogenic for cardiac hypertrophy. Last evaluated: 2015-08-30. Review status: no assertion criteria provided. Collection method: clinical testing. Allele origin: germline. Inheritance: Autosomal recessive inheritance. Affected: yes. Observed: 1 variant allele.
Comment: predicted to be deleterious using three different prediction softwares, namely SIFT, MutationTaster and Polyphen-2